The following is an entry in ClinVar:

ClinVar aggregate classification (germline): Pathogenic (1 of 4 stars; one submission).

Conditions:
Short-rib thoracic dysplasia 10 with or without polydactyly (SRTD10). Identifiers: Orphanet 474, MedGen C3810175, MONDO:0014284, OMIM 615630.
Retinitis pigmentosa 71 (RP71). Identifiers: Orphanet 791, MedGen C4225342, MONDO:0014618, OMIM 616394.

Submission:

Labcorp Genetics (formerly Invitae), Labcorp
Classification: Pathogenic for Retinitis pigmentosa 71; Short-rib thoracic dysplasia 10 with or without polydactyly. Last evaluated: 2024-10-16. Review status: criteria provided, single submitter. Criteria: Invitae Variant Classification Sherloc (09022015). Collection method: clinical testing. Allele origin: germline.
Comment: This sequence change results in a frameshift in the IFT172 gene (p.Thr1721Profs*40). While this is not anticipated to result in nonsense mediated decay, it is expected to disrupt the last 29 amino acid(s) of the IFT172 protein and extend the protein by 10 additional amino acid residues. This variant is not present in population databases (gnomAD no frequency). This variant has not been reported in the literature in individuals affected with IFT172-related conditions. Algorithms developed to predict the effect of sequence changes on RNA splicing suggest that this variant may disrupt the consensus splice site. This variant disrupts a region of the IFT172 protein in which other variant(s) (p.Cys1727Arg) have been determined to be pathogenic (PMID: 24140113). This suggests that this is a clinically significant region of the protein, and that variants that disrupt it are likely to be disease-causing. For these reasons, this variant has been classified as Pathogenic.

Literature cited by the submitters: PubMed 24140113.

NC_000002.12:g.27444516_27444526del

Genes: IFT172 (intraflagellar transport 172; minus strand), KRTCAP3 (keratinocyte associated protein 3; plus strand). Cytogenetic location: 2p23.3.
Variant type: Deletion.
Molecular consequence: intron variant (on NM_001168364.2).
Genome position: GRCh38 VCF-style: chr2-27444510-GCTGTGGGAGGT-G. GRCh37 (hg19) VCF-style: chr2-27667377-GCTGTGGGAGGT-G.
Other names: c.*5+455_*5+465del (NM_001168364.2).
Identifiers: ClinVar variation 2949884 (VCV002949884.3), ClinGen allele CA2740092788.